The following is an entry in ClinVar:

ClinVar aggregate classification (germline): Conflicting classifications of pathogenicity. Review status: criteria provided, conflicting classifications (1 of 4 stars). 5 submissions from 5 submitters: Uncertain significance (3); Likely benign (1). 1 of the submissions does not count toward it. Last evaluated 2025-12-15.

Conditions:
CTNNA1-related disorder. Also called: CTNNA1-related condition.
Patterned macular dystrophy 2. Identifiers: Orphanet 99001, MedGen C1837029, MONDO:0012162, OMIM 608970.
Hereditary cancer-predisposing syndrome. Also called: Hereditary neoplastic syndrome; Hereditary Cancer Syndrome; Tumor predisposition; Neoplastic Syndromes, Hereditary. Identifiers: Orphanet 140162, MedGen C0027672, MeSH D009386, MONDO:0015356.

Allele frequency attached by ClinVar (database versions not stated): TOPMed 0.00001; gnomAD 0.00002 and 0.00003; gnomAD exomes 0.00002; ExAC 0.00003.
gnomAD v4.1: 38 of 1,614,058 alleles (0.0024%); highest among the groups gnomAD compares: Non-Finnish European, 0.0023%; no homozygotes.

Submissions (5):

Labcorp Genetics (formerly Invitae), Labcorp
Classification: Uncertain significance. Last evaluated: 2025-12-15. Review status: criteria provided, single submitter. Criteria: Invitae Variant Classification Sherloc (09022015). Collection method: clinical testing. Allele origin: germline.
Comment: This sequence change replaces histidine, which is basic and polar, with tyrosine, which is neutral and polar, at codon 270 of the CTNNA1 protein (p.His270Tyr). This variant is present in population databases (rs199867969, gnomAD 0.02%). This variant has not been reported in the literature in individuals affected with CTNNA1-related conditions. ClinVar contains an entry for this variant (Variation ID: 660007). An algorithm developed to predict the effect of missense changes on protein structure and function (PolyPhen-2) suggests that this variant is likely to be tolerated. In summary, the available evidence is currently insufficient to determine the role of this variant in disease. Therefore, it has been classified as a Variant of Uncertain Significance.

Blueprint Genetics
Classification: Uncertain significance. Last evaluated: 2024-09-25. Review status: criteria provided, single submitter. Criteria: ACMG Guidelines, 2015. Collection method: clinical testing. Allele origin: germline.

Ambry Genetics
Classification: Likely benign for Hereditary cancer-predisposing syndrome. Last evaluated: 2024-01-26. Review status: criteria provided, single submitter. Criteria: Ambry Variant Classification Scheme 2023. Collection method: clinical testing. Allele origin: germline.

GeneDx
Classification: Uncertain significance. Last evaluated: 2023-06-16. Review status: criteria provided, single submitter. Criteria: GeneDx Variant Classification Process June 2021. Collection method: clinical testing. Allele origin: germline. Affected: yes.
Comment: In silico analysis supports that this missense variant does not alter protein structure/function; Observed in individuals referred for hereditary cancer multi-gene panel testing (Clark et al., 2020); This variant is associated with the following publications: (PMID: 32051609)

PreventionGenetics, part of Exact Sciences
Classification: Uncertain significance for CTNNA1-related condition. Last evaluated: 2023-10-19. Review status: no assertion criteria provided. Collection method: clinical testing. Allele origin: germline. Not counted in ClinVar's aggregate classification.
Comment: The CTNNA1 c.808C>T variant is predicted to result in the amino acid substitution p.His270Tyr. This variant has been reported in individuals from a gastric cancer and breast cancer cohort study; however, no clinical details were provided (Clark et al. 2020. PubMed ID: 32051609). This variant is reported in 0.016% of alleles in individuals of European (Finnish) descent in gnomAD. It is interpreted as uncertain significance in ClinVar. At this time, the clinical significance of this variant is uncertain due to the absence of conclusive functional and genetic evidence.

NM_001903.5(CTNNA1):c.808C>T (p.His270Tyr)

Gene: CTNNA1 (catenin alpha 1; plus strand). Cytogenetic location: 5q31.2.
Variant type: single nucleotide variant.
Coding change: c.808C>T on transcript NM_001903.5 (MANE Select); coding-DNA position 808, C replaced by T.
Protein change: p.His270Tyr; replaces histidine 270 with tyrosine.
Molecular consequence: missense variant.
Genome position (GRCh38, 1-based): chr5:138,824,749, C>T. VCF-style: chr5-138824749-C-T. GRCh37 (hg19) VCF-style: chr5-138160438-C-T.
Other names: c.808C>T, p.His270Tyr (NM_001290307.3, NM_001323982.2, NM_001323983.1 and 3 more transcripts); c.499C>T, p.His167Tyr (NM_001290309.3); c.439C>T, p.His147Tyr (NM_001290310.3); c.808C>T (NM_001903.4); short protein forms H147Y, H167Y, H270Y.
Identifiers: ClinVar variation 660007 (VCV000660007.18), dbSNP rs199867969, ClinGen allele CA3431561.